The following is an entry in ClinVar:

ClinVar aggregate classification (germline): Benign. Review status: criteria provided, multiple submitters, no conflicts (2 of 4 stars). 3 submissions from 3 submitters: Benign (2). 1 of the submissions does not count toward it. Last evaluated 2021-06-10.

Conditions:
MUC5B-related disorder. Also called: MUC5B-related condition.

Allele frequency attached by ClinVar (database versions not stated): 1000 Genomes Project 0.02556; 1000 Genomes Project 30x 0.02623; TOPMed 0.03832; gnomAD 0.03879 and 0.04047; gnomAD exomes 0.04027; ESP Exome Variant Server 0.04071; ExAC 0.05845.
gnomAD v4.1: 76,771 of 1,600,604 alleles (4.8%); highest among the groups gnomAD compares: Non-Finnish European, 5.5%; 2,046 homozygotes.

Submissions (3):

GeneDx
Classification: Benign. Last evaluated: 2021-06-10. Review status: criteria provided, single submitter. Criteria: GeneDx Variant Classification Process June 2021. Collection method: clinical testing. Allele origin: germline. Affected: yes.

Breakthrough Genomics
Classification: Benign. Review status: criteria provided, single submitter. Criteria: ACMG Guidelines, 2015. Collection method: not provided. Allele origin: germline. Inheritance: Autosomal dominant inheritance. Affected: yes.

PreventionGenetics, part of Exact Sciences
Classification: Benign for MUC5B-related condition. Last evaluated: 2024-05-02. Review status: no assertion criteria provided. Collection method: clinical testing. Allele origin: germline. Not counted in ClinVar's aggregate classification.
Comment: This variant is classified as benign based on ACMG/AMP sequence variant interpretation guidelines (Richards et al. 2015 PMID: 25741868, with internal and published modifications).

NM_002458.3(MUC5B):c.4415C>T (p.Pro1472Leu)

Gene: MUC5B (mucin 5B, oligomeric mucus/gel-forming; plus strand). Cytogenetic location: 11p15.5.
Variant type: single nucleotide variant.
Coding change: c.4415C>T on transcript NM_002458.3 (MANE Select); coding-DNA position 4415, C replaced by T.
Protein change: p.Pro1472Leu; replaces proline 1472 with leucine.
Molecular consequence: missense variant.
Genome position (GRCh38, 1-based): chr11:1,241,295, C>T. VCF-style: chr11-1241295-C-T. GRCh37 (hg19) VCF-style: chr11-1262525-C-T.
Other names: short protein forms P1472L.
Identifiers: ClinVar variation 1232498 (VCV001232498.5), dbSNP rs55669609, ClinGen allele CA5805407.
Genomic context (GRCh38, chr11:1,241,295, plus strand): 5'-CTGCTGTGCCTACCCCAACCCAGACCACAGCAACCGAAAAGACCACCCTATGGGTGACCC[C>T]GAGCATCCGGTCGACGGCGGCCCTCACCTCGCAGACTGGGTCCAGCTCAGGCCCCGTGAC-3'
Protein context (NP_002449.2, residues 1462-1482): ATEKTTLWVT[Pro1472Leu]SIRSTAALTS